The following is an entry in ClinVar:

ClinVar aggregate classification (germline): Uncertain significance (1 of 4 stars; one submission).

Conditions:
Hypertrophic cardiomyopathy. Also called: HYPERTROPHIC MYOCARDIOPATHY. Identifiers: Orphanet 217569, MedGen C0007194, MeSH D002312, MONDO:0005045, HP:0001639.

Submission:

Labcorp Genetics (formerly Invitae), Labcorp
Classification: Uncertain significance for Hypertrophic cardiomyopathy. Last evaluated: 2023-04-06. Review status: criteria provided, single submitter. Criteria: Invitae Variant Classification Sherloc (09022015). Collection method: clinical testing. Allele origin: germline.
Comment: In summary, the available evidence is currently insufficient to determine the role of this variant in disease. Therefore, it has been classified as a Variant of Uncertain Significance. Experimental studies and prediction algorithms are not available or were not evaluated, and the functional significance of this variant is currently unknown. This variant has not been reported in the literature in individuals affected with MYH7-related conditions. This variant is not present in population databases (gnomAD no frequency). This variant, c.3814_3816del, results in the deletion of 1 amino acid(s) of the MYH7 protein (p.Asp1272del), but otherwise preserves the integrity of the reading frame.

NM_000257.4(MYH7):c.3814_3816del (p.Asp1272del)

Gene: MYH7 (myosin heavy chain 7; minus strand). Cytogenetic location: 14q11.2.
Variant type: Deletion.
Coding change: c.3814_3816del on transcript NM_000257.4 (MANE Select); coding-DNA positions 3814 to 3816, 3 bases deleted (GAC; older notation c.3814_3816delGAC).
Protein change: p.Asp1272del; deletes aspartic acid 1272.
Molecular consequence: inframe deletion.
Genome position (GRCh38, 1-based): chr14:23,419,520-23,419,522, GTC deleted on the plus strand (GAC on the coding strand, the reverse complement: MYH7 is on the minus strand); deleting any 3 consecutive bases within chr14:23,419,520-23,419,524 gives the same sequence; the c. name uses the placement nearest the transcript's 3' end. VCF-style (leftmost placement, unchanged base first): chr14-23419519-GGTC-G. GRCh37 (hg19) VCF-style: chr14-23888728-GGTC-G.
Other names: c.3814_3816del, p.Asp1272del (NM_001407004.1); short protein forms D1272del.
Identifiers: ClinVar variation 2852620 (VCV002852620.3), dbSNP rs2502261773, ClinGen allele CA2739277789.